The following is an entry in ClinVar:

ClinVar aggregate classification (germline): Uncertain significance (1 of 4 stars; one submission).

Conditions:
Hereditary cancer-predisposing syndrome. Also called: Hereditary Cancer Syndrome; Neoplastic Syndromes, Hereditary; Tumor predisposition; Hereditary neoplastic syndrome. Identifiers: Orphanet 140162, MedGen C0027672, MeSH D009386, MONDO:0015356.

Submission:

Ambry Genetics
Classification: Uncertain significance for Hereditary cancer-predisposing syndrome. Last evaluated: 2022-09-18. Review status: criteria provided, single submitter. Criteria: Ambry Variant Classification Scheme 2023. Collection method: clinical testing. Allele origin: germline.
Comment: The p.G1624A variant (also known as c.4871G>C), located in coding exon 14 of the BRCA1 gene, results from a G to C substitution at nucleotide position 4871. The glycine at codon 1624 is replaced by alanine, an amino acid with similar properties. This amino acid position is conserved. In addition, the in silico prediction for this alteration is inconclusive. Since supporting evidence is limited at this time, the clinical significance of this alteration remains unclear.

NM_007294.4(BRCA1):c.4871G>C (p.Gly1624Ala)

Gene: BRCA1 (BRCA1 DNA repair associated; minus strand). Cytogenetic location: 17q21.31.
Variant type: single nucleotide variant.
Coding change: c.4871G>C on transcript NM_007294.4 (MANE Select); coding-DNA position 4871, G replaced by C.
Protein change: p.Gly1624Ala; replaces glycine 1624 with alanine.
Molecular consequence: missense variant. On other transcripts: non-coding transcript variant (1).
Genome position (GRCh38, 1-based): chr17:43,071,043, C>G on the plus strand (G>C on the coding strand, the complement: BRCA1 is on the minus strand). VCF-style: chr17-43071043-C-G. GRCh37 (hg19) VCF-style: chr17-41223060-C-G.
Other names: c.1484G>C, p.Gly495Ala (NM_001408411.1); c.1481G>C, p.Gly494Ala (NM_001408413.1, NM_001408414.1, NM_001408412.1 and 2 more transcripts); c.4865G>C, p.Gly1622Ala (NM_001407638.1, NM_001407639.1, NM_001407640.1 and 14 more transcripts); c.4862G>C, p.Gly1621Ala (NM_001407644.1, NM_001407645.1); c.4859G>C, p.Gly1620Ala (NM_001407646.1); c.4856G>C, p.Gly1619Ala (NM_001407647.1); c.4814G>C, p.Gly1605Ala (NM_001407648.1); c.4811G>C, p.Gly1604Ala (NM_001407649.1); and 70 more; short protein forms G1328A, G1470A, G1552A, G1553A, G1575A, G1576A, G1582A, G1604A.
Identifiers: ClinVar variation 1743725 (VCV001743725.2), dbSNP rs1555580767, ClinGen allele CA10591785.
Genomic context (GRCh38, chr17:43,071,043, plus strand): 5'-TCTGTTGAAGCTGTCAATTCTGGCTTCTCCCTGCTCACACTTTCTTCCATTGCATTATAC[C>G]CAGCAGTATCAGTAGTATGAGCAGCAGCTGGACTCTGGGCAGATTCTGCAACTTTCAATT-3'
Protein context (NP_009225.1, residues 1614-1634): PAAAHTTDTA[Gly1624Ala]YNAMEESVSR